The following is an entry in ClinVar:

ClinVar aggregate classification (germline): Pathogenic. Review status: criteria provided, multiple submitters, no conflicts (2 of 4 stars). 2 submissions from 2 submitters: Pathogenic (2). Last evaluated 2022-06-08.

Conditions:
Choroideremia. Also called: Chorioretinal scalloped atrophy. Identifiers: Orphanet 180, MedGen C0008525, MONDO:0010557, OMIM 303100, HP:0001139.

Submissions (2):

Labcorp Genetics (formerly Invitae), Labcorp
Classification: Pathogenic. Last evaluated: 2022-06-08. Review status: criteria provided, single submitter. Criteria: Invitae Variant Classification Sherloc (09022015). Collection method: clinical testing. Allele origin: germline.
Comment: For these reasons, this variant has been classified as Pathogenic. This variant has not been reported in the literature in individuals affected with CHM-related conditions. This variant is not present in population databases (gnomAD no frequency). This sequence change creates a premature translational stop signal (p.Tyr321Metfs*4) in the CHM gene. It is expected to result in an absent or disrupted protein product. Loss-of-function variants in CHM are known to be pathogenic (PMID: 9067750, 23811034).

Mendelics
Classification: Pathogenic for Choroideremia. Last evaluated: 2022-05-04. Review status: criteria provided, single submitter. Criteria: Mendelics Assertion Criteria 2019. Collection method: clinical testing. Allele origin: germline.

Literature cited by the submitters: PubMed 9067750 (cited by Labcorp Genetics (formerly Invitae), Labcorp); PubMed 23811034 (cited by Labcorp Genetics (formerly Invitae), Labcorp).

NM_000390.4(CHM):c.961del (p.Tyr321fs)

Gene: CHM (CHM Rab escort protein; minus strand). Cytogenetic location: Xq21.2.
Variant type: Deletion.
Coding change: c.961del on transcript NM_000390.4 (MANE Select); coding-DNA position 961, one base deleted (T; older notation c.961delT).
Protein change: p.Tyr321fs; shifts the reading frame from tyrosine 321.
Molecular consequence: frameshift variant.
Genome position (GRCh38, 1-based): chrX:85,956,358, A deleted on the plus strand (T on the coding strand, the reverse complement: CHM is on the minus strand); the first of 4 consecutive A bases (chrX:85,956,358-85,956,361); deleting any one gives the same sequence. VCF-style (leftmost placement, unchanged base first): chrX-85956357-TA-T. GRCh37 (hg19) VCF-style: chrX-85211362-TA-T.
Other names: c.517del, p.Tyr173fs (NM_001320959.1, NM_001362517.1, NM_001362518.2 and 1 more transcripts); short protein forms Y173fs, Y321fs.
Identifiers: ClinVar variation 1685631 (VCV001685631.6), dbSNP rs2147663454, ClinGen allele CA2573159644.